The following is an entry in ClinVar:

NM_001164508.2(NEB):c.7964A>G (p.Tyr2655Cys)

Gene: NEB (nebulin; minus strand). Cytogenetic location: 2q23.3.
Variant type: single nucleotide variant.
Coding change: c.7964A>G on transcript NM_001164508.2 (MANE Select); coding-DNA position 7964, A replaced by G.
Protein change: p.Tyr2655Cys; replaces tyrosine 2655 with cysteine.
Molecular consequence: missense variant.
Genome position (GRCh38, 1-based): chr2:151,643,346, T>C on the plus strand (A>G on the coding strand, the complement: NEB is on the minus strand). VCF-style: chr2-151643346-T-C. GRCh37 (hg19) VCF-style: chr2-152499860-T-C.
Other names: NM_001164508.2(NEB):c.7964A>G; p.Tyr2655Cys; c.7964A>G, p.Tyr2655Cys (NM_001164507.2, NM_001271208.2, NM_004543.5); short protein forms Y2655C.
Identifiers: ClinVar variation 842231 (VCV000842231.11), dbSNP rs1389374032, ClinGen allele CA348813999.
Genomic context (GRCh38, chr2:151,643,346, plus strand): 5'-TCCTCGAGAGAACCACTAGTCATCCAGCCAATGCCTTTTAGCCACTGAAGGTCTGACTTG[T>C]ACAAATTCTGAAAGTGCAAGTGACAAATTTGTCATAATTAAATCATTTATCACAATTTGT-3'
Protein context (NP_001157980.2, residues 2645-2665): QAYDLQSDNL[Tyr2655Cys]KSDLQWLKGI

ClinVar aggregate classification (germline): Conflicting classifications of pathogenicity. Review status: criteria provided, conflicting classifications (1 of 4 stars). 5 submissions from 5 submitters: Likely pathogenic (3); Uncertain significance (2). Last evaluated 2025-03-17.

Conditions:
Arthrogryposis multiplex congenita 6. Identifiers: MedGen C5543431, MONDO:0030281, OMIM 619334.
Nemaline myopathy 2 (NEM2). Also called: Nemaline myopathy 2, autosomal recessive. Identifiers: MedGen C1850569, MONDO:0009725, OMIM 256030.
Nemaline myopathy. Also called: Myopathies, Nemaline. Identifiers: Orphanet 607, MedGen C0206157, MONDO:0018958.

Allele frequency attached by ClinVar (database versions not stated): gnomAD exomes below 0.00001.
gnomAD v4.1: 3 of 1,601,422 alleles (0.00019%); highest among the groups gnomAD compares: Non-Finnish European, 0.00026%; no homozygotes.

Submissions (5):

Broad Center for Mendelian Genomics, Broad Institute of MIT and Harvard
Classification: Uncertain significance for Nemaline myopathy. Last evaluated: 2025-03-17. Review status: criteria provided, single submitter. Criteria: ACMG Guidelines, 2015. Collection method: curation. Allele origin: germline. Inheritance: Autosomal recessive inheritance.
Comment: The p.Tyr2655Cys variant in NEB has been reported in three individuals with nemaline myopathy (PMID: 25205138), and has been identified in 0.0003% (3/1104012) of European (non-Finnish) chromosomes by the Genome Aggregation Database (gnomAD; dbSNP ID: rs1389374032). Although this variant has been seen in the general population in a heterozygous state, its frequency is low enough to be consistent with a recessive carrier frequency. This variant has also been reported in ClinVar (Variation ID: 842231) and has been interpreted as a variant of uncertain significance by Invitae. Of the three affected individuals, two were compound heterozygotes that carried reported pathogenic or likely pathogenic variants with unknown phase, which increases the likelihood that the p.Tyr2655Cys variant is pathogenic (Variation ID: 450119; PMID: 25205138). Computational prediction tools and conservation analyses suggest that this variant may impact the protein, though this information is not predictive enough to determine pathogenicity. In summary, while there is some suspicion for a pathogenic role, the clinical significance of this variant is uncertain. ACMG/AMP Criteria applied: PP3_moderate, PM2_supporting, PM3_supporting (Richards 2015).

Natera, Inc.
Classification: Likely pathogenic for Nemaline myopathy type 2. Last evaluated: 2024-10-30. Review status: criteria provided, single submitter. Criteria: Natera Variant Classification Schema (03/2026). Collection method: clinical testing. Allele origin: germline.
Comment: The c.7964A>G variant in NEB is a missense variant predicted to cause substitution of tyrosine to cysteine at amino acid 2655. This variant is rare in the general population with a frequency below the threshold expected for the associated phenotype(s). This variant has been observed in one or more individuals affected with the associated recessive disease, as either homozygous or compound heterozygous with a second variant (PMID: 25205138). Additionally, this variant has been observed to segregate in affected family members (PMID: 25205138). Computational prediction algorithms indicate this variant is likely to affect gene or protein function. Given the available evidence, this variant is classified as Likely Pathogenic.

Fulgent Genetics
Classification: Likely pathogenic for Nemaline myopathy 2; Arthrogryposis multiplex congenita 6. Last evaluated: 2024-06-17. Review status: criteria provided, single submitter. Criteria: ACMG Guidelines, 2015. Collection method: clinical testing. Allele origin: germline.

Baylor Genetics
Classification: Likely pathogenic for Arthrogryposis multiplex congenita 6. Last evaluated: 2024-03-30. Review status: criteria provided, single submitter. Criteria: ACMG Guidelines, 2015. Collection method: clinical testing. Allele origin: unknown.

Labcorp Genetics (formerly Invitae), Labcorp
Classification: Uncertain significance for Nemaline myopathy 2. Last evaluated: 2022-07-26. Review status: criteria provided, single submitter. Criteria: Invitae Variant Classification Sherloc (09022015). Collection method: clinical testing. Allele origin: germline.
Comment: This sequence change replaces tyrosine, which is neutral and polar, with cysteine, which is neutral and slightly polar, at codon 2655 of the NEB protein (p.Tyr2655Cys). This variant is present in population databases (no rsID available, gnomAD 0.0009%). This missense change has been observed in individuals with nemaline myopathy (PMID: 25205138). ClinVar contains an entry for this variant (Variation ID: 842231). Algorithms developed to predict the effect of missense changes on protein structure and function are either unavailable or do not agree on the potential impact of this missense change (SIFT: "Deleterious"; PolyPhen-2: "Not Available"; Align-GVGD: "Class C0"). In summary, the available evidence is currently insufficient to determine the role of this variant in disease. Therefore, it has been classified as a Variant of Uncertain Significance.

Literature cited by the submitters: PubMed 25205138 (cited by Natera, Inc. and Labcorp Genetics (formerly Invitae), Labcorp).